The following is an entry in ClinVar:

NM_001374504.1(TMPRSS6):c.631G>T (p.Gly211Cys)

Gene: TMPRSS6 (transmembrane serine protease 6; minus strand). Cytogenetic location: 22q12.3.
Variant type: single nucleotide variant.
Coding change: c.631G>T on transcript NM_001374504.1 (MANE Select); coding-DNA position 631, G replaced by T.
Protein change: p.Gly211Cys; replaces glycine 211 with cysteine.
Molecular consequence: missense variant.
Genome position (GRCh38, 1-based): chr22:37,095,551, C>A on the plus strand (G>T on the coding strand, the complement: TMPRSS6 is on the minus strand). VCF-style: chr22-37095551-C-A. GRCh37 (hg19) VCF-style: chr22-37491591-C-A.
Other names: NM_001374504.1(TMPRSS6):c.631G>T; p.Gly211Cys; c.631G>T, p.Gly211Cys (NM_001289000.2, NM_001289001.2, NM_153609.4); short protein forms G211C.
Identifiers: ClinVar variation 1366522 (VCV001366522.7), dbSNP rs2146149841, ClinGen allele CA411426626.

ClinVar aggregate classification (germline): Uncertain significance. Review status: criteria provided, multiple submitters, no conflicts (2 of 4 stars). 2 submissions from 2 submitters: Uncertain significance (2). Last evaluated 2024-05-22.

Conditions:
Iron-refractory iron deficiency anemia (IRIDA). Also called: IRON-HANDLING DISORDER, HEREDITARY; ANEMIA, HYPOCHROMIC MICROCYTIC, WITH DEFECT IN IRON METABOLISM; IRIDA syndrome; PSEUDO-IRON-DEFICIENCY ANEMIA. Identifiers: Orphanet 209981, MedGen C0085576, MONDO:0008788, OMIM 206200. Disease mechanism: loss of function.

Submissions (2):

Broad Center for Mendelian Genomics, Broad Institute of MIT and Harvard
Classification: Uncertain significance for Iron-refractory iron deficiency anemia. Last evaluated: 2024-05-22. Review status: criteria provided, single submitter. Criteria: ACMG Guidelines, 2015. Collection method: curation. Allele origin: germline. Inheritance: Autosomal recessive inheritance.
Comment: The variant has not been previously reported in individuals withiron-refractory iron deficiency anemia, and was absent from large population studies. This variant has been reported in ClinVar (Variation ID: 1366522) and has been interpreted as uncertain significance by Invitae. Computational prediction tools and conservation analyses suggest that this variant may impact the protein, though this information is not predictive enough to determine pathogenicity. In summary, the clinical significance of the p.Gly211Cys variant is uncertain. ACMG/AMP Criteria applied: PM3_Supporting, PM2_Supporting, PP3 (Richards 2015).

Labcorp Genetics (formerly Invitae), Labcorp
Classification: Uncertain significance. Last evaluated: 2021-10-11. Review status: criteria provided, single submitter. Criteria: Invitae Variant Classification Sherloc (09022015). Collection method: clinical testing. Allele origin: germline.
Comment: This sequence change replaces glycine with cysteine at codon 220 of the TMPRSS6 protein (p.Gly220Cys). The glycine residue is highly conserved and there is a large physicochemical difference between glycine and cysteine. This variant also falls at the last nucleotide of exon 6, which is part of the consensus splice site for this exon. This variant is not present in population databases (ExAC no frequency). This variant has been observed in individual(s) with iron-refractory iron deficiency anemia (Invitae). Algorithms developed to predict the effect of missense changes on protein structure and function are either unavailable or do not agree on the potential impact of this missense change (SIFT: "Deleterious"; PolyPhen-2: "Probably Damaging"; Align-GVGD: "Class C0"). Nucleotide substitutions within the consensus splice site are a relatively common cause of aberrant splicing (PMID: 17576681, 9536098). Algorithms developed to predict the effect of sequence changes on RNA splicing suggest that this variant may disrupt the consensus splice site. In summary, the available evidence is currently insufficient to determine the role of this variant in disease. Therefore, it has been classified as a Variant of Uncertain Significance.

Literature cited by the submitters: PubMed 17576681 (cited by Labcorp Genetics (formerly Invitae), Labcorp); PubMed 9536098 (cited by Labcorp Genetics (formerly Invitae), Labcorp).